The following is an entry in ClinVar:

ClinVar aggregate classification (germline): Likely benign (1 of 4 stars; one submission).

Allele frequency attached by ClinVar (database versions not stated): gnomAD exomes 0.00046; 1000 Genomes Project 0.00379; 1000 Genomes Project 30x 0.00390; gnomAD 0.00431 and 0.00461; TOPMed 0.00459.

Submission:

GeneDx
Classification: Likely benign. Last evaluated: 2018-06-19. Review status: criteria provided, single submitter. Criteria: GeneDx Variant Classification (06012015). Collection method: clinical testing. Allele origin: germline. Affected: yes.
Comment: This variant is considered likely benign or benign based on one or more of the following criteria: it is a conservative change, it occurs at a poorly conserved position in the protein, it is predicted to be benign by multiple in silico algorithms, and/or has population frequency not consistent with disease.

NM_058246.4(DNAJB6):c.65+151_65+152insAAG

Gene: DNAJB6 (DnaJ heat shock protein family (Hsp40) member B6; plus strand). Cytogenetic location: 7q36.3.
Variant type: Insertion.
Coding change: c.65+151_65+152insAAG on transcript NM_058246.4 (MANE Select); bases 151 to 152 of the intron after coding-DNA position 65, AAG inserted.
Molecular consequence: intron variant.
Genome position: GRCh38 VCF-style: chr7-157358788-C-CAAG. GRCh37 (hg19) VCF-style: chr7-157151482-C-CAAG.
Other names: c.65+151_65+152insAAG (NM_001363676.1, NM_005494.3).
Identifiers: ClinVar variation 679396 (VCV000679396.1), dbSNP rs142713894, ClinGen allele CA169846984.